The following is an entry in ClinVar:

ClinVar aggregate classification (germline): Uncertain significance (1 of 4 stars; one submission).

gnomAD v4.1: 16 of 1,551,994 alleles (0.001%); highest among the groups gnomAD compares: East Asian, 0.0024%; no homozygotes.

Submission:

Labcorp Genetics (formerly Invitae), Labcorp
Classification: Uncertain significance. Last evaluated: 2025-01-15. Review status: criteria provided, single submitter. Criteria: Invitae Variant Classification Sherloc (09022015). Collection method: clinical testing. Allele origin: germline.
Comment: This sequence change replaces glycine, which is neutral and non-polar, with valine, which is neutral and non-polar, at codon 450 of the DTHD1 protein (p.Gly450Val). This variant is present in population databases (no rsID available, gnomAD 0.002%). This variant has not been reported in the literature in individuals affected with DTHD1-related conditions. An algorithm developed to predict the effect of missense changes on protein structure and function (PolyPhen-2) suggests that this variant is likely to be disruptive. In summary, the available evidence is currently insufficient to determine the role of this variant in disease. Therefore, it has been classified as a Variant of Uncertain Significance.

NM_001170700.3(DTHD1):c.2219G>T (p.Gly740Val)

Gene: DTHD1 (death domain containing 1; plus strand). Cytogenetic location: 4p14.
Variant type: single nucleotide variant.
Coding change: c.2219G>T on transcript NM_001170700.3 (MANE Select); coding-DNA position 2219, G replaced by T.
Protein change: p.Gly740Val; replaces glycine 740 with valine.
Molecular consequence: missense variant. On other transcripts: non-coding transcript variant (2).
Genome position (GRCh38, 1-based): chr4:36,316,365, G>T. VCF-style: chr4-36316365-G-T. GRCh37 (hg19) VCF-style: chr4-36317987-G-T.
Other names: c.1349G>T, p.Gly450Val (NM_001136536.5); c.1286G>T, p.Gly429Val (NM_001378435.1); short protein forms G429V, G740V, G450V.
Identifiers: ClinVar variation 3720011 (VCV003720011.2).